The following is an entry in ClinVar:

NM_001195263.2(PDZD7):c.2335CGCAGC[6] (p.773RS[9])

Gene: PDZD7 (PDZ domain containing 7; minus strand). Cytogenetic location: 10q24.31.
Variant type: Microsatellite.
Coding change: c.2335CGCAGC[6] on transcript NM_001195263.2 (MANE Select); six copies in a row of the 6-base unit CGCAGC starting at c.2335; the reference has three copies in a row; three copies, 18 bases duplicated.
Protein change: p.773RS[9].
Molecular consequence: inframe insertion.
Genome position (GRCh38, 1-based): chr10:101,010,537-101,010,554, GCTGCGGCTGCGGCTGCG duplicated on the plus strand (CGCAGCCGCAGCCGCAGC on the coding strand, the reverse complement: PDZD7 is on the minus strand); duplicating any 18 consecutive bases within chr10:101,010,537-101,010,557 gives the same sequence; the position shown is the placement nearest the transcript's 3' end. VCF-style (leftmost placement, unchanged base first): chr10-101010536-T-TGCTGCGGCTGCGGCTGCG. GRCh37 (hg19) VCF-style: chr10-102770293-T-TGCTGCGGCTGCGGCTGCG.
Identifiers: ClinVar variation 1011695 (VCV001011695.8), dbSNP rs200896335, ClinGen allele CA918746259.

ClinVar aggregate classification (germline): Uncertain significance (1 of 4 stars; one submission).

Submission:

Labcorp Genetics (formerly Invitae), Labcorp
Classification: Uncertain significance. Last evaluated: 2025-04-17. Review status: criteria provided, single submitter. Criteria: Invitae Variant Classification Sherloc (09022015). Collection method: clinical testing. Allele origin: germline.
Comment: This variant, c.2335_2352dup, results in the insertion of 6 amino acid(s) of the PDZD7 protein (p.Arg779_Ser784dup), but otherwise preserves the integrity of the reading frame. This variant is not present in population databases (gnomAD no frequency). This variant has not been reported in the literature in individuals affected with PDZD7-related conditions. Experimental studies and prediction algorithms are not available or were not evaluated, and the functional significance of this variant is currently unknown. In summary, the available evidence is currently insufficient to determine the role of this variant in disease. Therefore, it has been classified as a Variant of Uncertain Significance.